The following is an entry in ClinVar:

ClinVar aggregate classification (germline): Pathogenic/Likely pathogenic. Review status: criteria provided, multiple submitters, no conflicts (2 of 4 stars). 2 submissions from 2 submitters: Pathogenic (1); Likely pathogenic (1). Last evaluated 2022-12-02.

Conditions:
Intellectual developmental disorder 61. Also called: INTELLECTUAL DEVELOPMENTAL DISORDER, AUTOSOMAL DOMINANT 61; MENTAL RETARDATION, AUTOSOMAL DOMINANT 61. Identifiers: MedGen C5231400, MONDO:0032485, OMIM 618009.

Submissions (2):

GeneDx
Classification: Pathogenic. Last evaluated: 2022-12-02. Review status: criteria provided, single submitter. Criteria: GeneDx Variant Classification Process June 2021. Collection method: clinical testing. Allele origin: germline. Affected: yes.
Comment: Not observed at significant frequency in large population cohorts (gnomAD); In silico analysis supports that this missense variant has a deleterious effect on protein structure/function; Has not been previously published as pathogenic or benign to our knowledge

Molecular Genetics Department, Kulakov National Medical Research Center for Obstetrics, Gynecology and Perinatology
Classification: Likely pathogenic for Intellectual developmental disorder 61. Review status: criteria provided, single submitter. Criteria: ACMG Guidelines, 2015. Collection method: clinical testing. Allele origin: de novo. Affected: yes.
Comment: A previously undescribed nucleotide variant creates a missense p.Pro835Ser in the MED13 gene. Missense variants are reported in patients with Intellectual developmental disorder, autosomal dominant 61, 618009. The variant is not present in population database (gnomAD no frequency). In summary, the currently available evidence indicates that the variant is pathogenic, but additional data are needed to prove that conclusively. Therefore, this variant has been classified as likely pathogenic.

NM_005121.3(MED13):c.2503C>T (p.Pro835Ser)

Gene: MED13 (mediator complex subunit 13; minus strand). Cytogenetic location: 17q23.2.
Variant type: single nucleotide variant.
Coding change: c.2503C>T on transcript NM_005121.3 (MANE Select); coding-DNA position 2503, C replaced by T.
Protein change: p.Pro835Ser; replaces proline 835 with serine.
Molecular consequence: missense variant.
Genome position (GRCh38, 1-based): chr17:61,984,839, G>A on the plus strand (C>T on the coding strand, the complement: MED13 is on the minus strand). VCF-style: chr17-61984839-G-A. GRCh37 (hg19) VCF-style: chr17-60062200-G-A.
Other names: short protein forms P835S.
Identifiers: ClinVar variation 1803503 (VCV001803503.2), dbSNP rs2509282203, ClinGen allele CA400510144.